The following is an entry in ClinVar:

ClinVar aggregate classification (germline): Likely pathogenic. Review status: criteria provided, multiple submitters, no conflicts (2 of 4 stars). 5 submissions from 5 submitters: Likely pathogenic (4). 1 of the submissions does not count toward it. Last evaluated 2025-11-25.

Conditions:
Hereditary insensitivity to pain with anhidrosis (CIPA). Also called: HSAN Type IV; INSENSITIVITY TO PAIN, CONGENITAL, WITH ANHIDROSIS; FAMILIAL DYSAUTONOMIA, TYPE II; hereditary sensory and autonomic neuropathy type 4; NTRK1 Congenital Insensitivity to Pain with Anhidrosis; NEUROPATHY, CONGENITAL SENSORY, WITH ANHIDROSIS. Identifiers: Orphanet 642, MedGen C0020074, MONDO:0009746, OMIM 256800.

Allele frequency attached by ClinVar (database versions not stated): gnomAD exomes below 0.00001 and 0.00001; TOPMed 0.00001; gnomAD 0.00001.
gnomAD v4.1: 18 of 1,614,062 alleles (0.0011%); highest among the groups gnomAD compares: Non-Finnish European, 0.0014%; no homozygotes.

Submissions (5):

Labcorp Genetics (formerly Invitae), Labcorp
Classification: Likely pathogenic for Hereditary insensitivity to pain with anhidrosis. Last evaluated: 2025-11-25. Review status: criteria provided, single submitter. Criteria: Invitae Variant Classification Sherloc (09022015). Collection method: clinical testing. Allele origin: germline.
Comment: This sequence change replaces glycine, which is neutral and non-polar, with glutamic acid, which is acidic and polar, at codon 511 of the NTRK1 protein (p.Gly511Glu). This variant is present in population databases (rs606231467, gnomAD 0.0009%). This missense change has been observed in individual(s) with Hereditary Sensory and Autonomic Neuropathy Type IV (PMID: 27676246). This variant is also known as c.1550G>A p.G517E. ClinVar contains an entry for this variant (Variation ID: 161443). Invitae Evidence Modeling of protein sequence and biophysical properties (such as structural, functional, and spatial information, amino acid conservation, physicochemical variation, residue mobility, and thermodynamic stability) indicates that this missense variant is expected to disrupt NTRK1 protein function with a positive predictive value of 95%. Experimental studies have shown that this missense change affects NTRK1 function (PMID: 25359976, 27676246). This variant disrupts the p.Gly511 amino acid residue in NTRK1. Other variant(s) that disrupt this residue have been observed in individuals with NTRK1-related conditions (PMID: 30201336), which suggests that this may be a clinically significant amino acid residue. In summary, the currently available evidence indicates that the variant is pathogenic, but additional data are needed to prove that conclusively. Therefore, this variant has been classified as Likely Pathogenic.

Natera, Inc.
Classification: Likely pathogenic for Hereditary insensitivity to pain with anhidrosis. Last evaluated: 2025-11-10. Review status: criteria provided, single submitter. Criteria: Natera Variant Classification Schema (03/2026). Collection method: clinical testing. Allele origin: germline.
Comment: The c.1532G>A variant in NTRK1 is a missense variant predicted to cause substitution of glycine to glutamic acid at amino acid 511. This variant is rare in the general population with a frequency below the threshold expected for the associated phenotype(s). This variant has been observed in one or more individuals affected with the associated recessive disease, as either homozygous or compound heterozygous with a second variant (PMID: 27676246). This variant has been identified in one or more affected individual with a phenotype highly consistent with the associated gene (PMID:27676246). Computational prediction algorithms indicate this variant is likely to affect gene or protein function. Given the available evidence, this variant is classified as Likely Pathogenic.

Fulgent Genetics
Classification: Likely pathogenic for Hereditary insensitivity to pain with anhidrosis. Last evaluated: 2024-04-05. Review status: criteria provided, single submitter. Criteria: ACMG Guidelines, 2015. Collection method: clinical testing. Allele origin: germline.

Women's Health and Genetics/Laboratory Corporation of America, LabCorp
Classification: Likely pathogenic for Hereditary insensitivity to pain with anhidrosis. Last evaluated: 2024-04-04. Review status: criteria provided, single submitter. Criteria: LabCorp Variant Classification Summary - May 2015. Collection method: clinical testing. Allele origin: germline.
Comment: Variant summary: NTRK1 c.1532G>A (p.Gly511Glu) results in a non-conservative amino acid change located in the Protein kinase domain (IPR000719) of the encoded protein sequence. Five of five in-silico tools predict a damaging effect of the variant on protein function. The variant allele was found at a frequency of 4e-06 in 251454 control chromosomes. c.1532G>A has been reported in the literature in at-least one individual affected with features of Hereditary Insensitivity To Pain With Anhidrosis (example, Hepburn_2014 cited in Shaikh_2017). At least one publication reports experimental evidence evaluating an impact on protein function (Shaikh_2017). The most pronounced variant effect results in abolished PLC gamma signaling. The following publications have been ascertained in the context of this evaluation (PMID: 25359976, 35471943, 27676246, 30201336). ClinVar contains an entry for this variant (Variation ID: 161443). Based on the evidence outlined above, the variant was classified as likely pathogenic.

OMIM
Classification: Pathogenic for INSENSITIVITY TO PAIN, CONGENITAL, WITH ANHIDROSIS. Last evaluated: 2014-10-31. Review status: no assertion criteria provided. Collection method: literature only. Allele origin: germline. Not counted in ClinVar's aggregate classification.

Literature cited by the submitters: PubMed 27676246 (cited by 3 submitters); PubMed 25359976 (cited by 3 submitters); PubMed 30201336 (cited by Labcorp Genetics (formerly Invitae), Labcorp and Women's Health and Genetics/Laboratory Corporation of America, LabCorp); PubMed 35471943 (cited by Women's Health and Genetics/Laboratory Corporation of America, LabCorp).

NM_002529.4(NTRK1):c.1550G>A (p.Gly517Glu)

Gene: NTRK1 (neurotrophic receptor tyrosine kinase 1; plus strand). Cytogenetic location: 1q23.1.
Variant type: single nucleotide variant.
Coding change: c.1550G>A on transcript NM_002529.4 (MANE Select); coding-DNA position 1550, G replaced by A.
Protein change: p.Gly517Glu; replaces glycine 517 with glutamic acid.
Molecular consequence: missense variant.
Genome position (GRCh38, 1-based): chr1:156,876,128, G>A. VCF-style: chr1-156876128-G-A. GRCh37 (hg19) VCF-style: chr1-156845920-G-A.
Other names: c.1442G>A, p.Gly481Glu (NM_001007792.1); c.1532G>A, p.Gly511Glu (NM_001012331.2); c.1532G>A (NM_001012331.1); short protein forms G517E, G511E.
Identifiers: ClinVar variation 161443 (VCV000161443.7), dbSNP rs606231467, ClinGen allele CA272998.